The following is an entry in ClinVar:

NC_000011.9:g.(?_111657121)_(111922093_?)del

Genes: HSPB2 (heat shock protein family B (small) member 2; plus strand), CFAP68 (cilia and flagella associated protein 68; plus strand), ALG9 (ALG9 alpha-1,2-mannosyltransferase; minus strand), DIXDC1 (DIX domain containing 1; plus strand), CRYAB (crystallin alpha B; minus strand) and 3 more. Cytogenetic location: 11q23.1.
Variant type: Deletion.
Identifiers: ClinVar variation 2426878 (VCV002426878.4).

ClinVar aggregate classification (germline): Pathogenic (1 of 4 stars; one submission).

Conditions:
ALG9 congenital disorder of glycosylation (CDG1L). Also called: CONGENITAL DISORDER OF GLYCOSYLATION, TYPE Il; ALG9-CDG; CDG Il. Identifiers: Orphanet 79328, MedGen C2931006, MONDO:0012117, OMIM 608776.

Submission:

Labcorp Genetics (formerly Invitae), Labcorp
Classification: Pathogenic for ALG9 congenital disorder of glycosylation. Last evaluated: 2022-09-09. Review status: criteria provided, single submitter. Criteria: Invitae Variant Classification Sherloc (09022015). Collection method: clinical testing. Allele origin: germline.
Comment: A gross deletion of the genomic region encompassing the full coding sequence of the ALG9 gene has been identified. Loss-of-function variants in ALG9 are known to be pathogenic (PMID: 25966638). The boundaries of this event are unknown as they extend beyond the assayed region for this gene and therefore may encompass additional genes. For these reasons, this variant has been classified as Pathogenic. This variant has not been reported in the literature in individuals affected with ALG9-related conditions.

Literature cited by the submitters: PubMed 25966638.